The following is an entry in ClinVar:

ClinVar aggregate classification (germline): Uncertain significance (1 of 4 stars; one submission).

Conditions:
Anauxetic dysplasia. Identifiers: Orphanet 93347, MedGen C1846796, MONDO:0011773.

Allele frequency attached by ClinVar (database versions not stated): gnomAD exomes below 0.00001; TOPMed 0.00001.

Submission:

Labcorp Genetics (formerly Invitae), Labcorp
Classification: Uncertain significance for Anauxetic dysplasia. Last evaluated: 2025-06-02. Review status: criteria provided, single submitter. Criteria: Invitae Variant Classification Sherloc (09022015). Collection method: clinical testing. Allele origin: germline.
Comment: This variant occurs in the RMRP gene, which encodes an RNA molecule that does not result in a protein product. This variant is not present in population databases (gnomAD no frequency). This variant has not been reported in the literature in individuals affected with RMRP-related conditions. ClinVar contains an entry for this variant (Variation ID: 2418153). Experimental studies and prediction algorithms are not available or were not evaluated, and the functional significance of this variant is currently unknown. In summary, the available evidence is currently insufficient to determine the role of this variant in disease. Therefore, it has been classified as a Variant of Uncertain Significance.

NC_000009.12:g.35657931_35657932insT

Gene: RMRP (RNA component of mitochondrial RNA processing endoribonuclease; minus strand). Cytogenetic location: 9p13.3.
Variant type: Insertion.
Genome position: GRCh38 VCF-style: chr9-35657931-C-CT. GRCh37 (hg19) VCF-style: chr9-35657928-C-CT.
Identifiers: ClinVar variation 2418153 (VCV002418153.10), dbSNP rs1489802482, ClinGen allele CA863578170.